The following is an entry in ClinVar:

ClinVar aggregate classification (germline): Uncertain significance. Review status: criteria provided, multiple submitters, no conflicts (2 of 4 stars). 3 submissions from 3 submitters: Uncertain significance (2). 1 of the submissions does not count toward it. Last evaluated 2022-08-20.

Conditions:
Cardiovascular phenotype. Identifiers: MedGen CN230736.
Walker-Warburg congenital muscular dystrophy. Also called: Muscular dystrophy-dystroglycanopathy, type A; Walker-Warburg syndrome. Identifiers: Orphanet 899, MedGen C0265221, MONDO:0000171.
Autosomal recessive limb-girdle muscular dystrophy type 2I. Also called: MUSCULAR DYSTROPHY-DYSTROGLYCANOPATHY (LIMB-GIRDLE), TYPE C, 5; MUSCULAR DYSTROPHY, LIMB-GIRDLE, TYPE 2I; MUSCULAR DYSTROPHY-DYSTROGLYCANOPATHY, LIMB-GIRDLE, FRKP-RELATED. Identifiers: Orphanet 34515, MedGen C1846672, MONDO:0011787, OMIM 607155.

Allele frequency attached by ClinVar (database versions not stated): gnomAD exomes below 0.00001; gnomAD 0.00001 and 0.00002; TOPMed 0.00001.
gnomAD v4.1: 3 of 1,556,938 alleles (0.00019%); highest among the groups gnomAD compares: African/African-American, 0.0041%; no homozygotes.

Submissions (3):

Ambry Genetics
Classification: Uncertain significance for Cardiovascular phenotype. Last evaluated: 2022-08-20. Review status: criteria provided, single submitter. Criteria: Ambry Variant Classification Scheme 2023. Collection method: clinical testing. Allele origin: germline.
Comment: The p.A185V variant (also known as c.554C>T), located in coding exon 1 of the FKRP gene, results from a C to T substitution at nucleotide position 554. The alanine at codon 185 is replaced by valine, an amino acid with similar properties. This amino acid position is conserved. In addition, the in silico prediction for this alteration is inconclusive. Since supporting evidence is limited at this time, the clinical significance of this alteration remains unclear.

Labcorp Genetics (formerly Invitae), Labcorp
Classification: Uncertain significance for Walker-Warburg congenital muscular dystrophy. Last evaluated: 2022-07-19. Review status: criteria provided, single submitter. Criteria: Invitae Variant Classification Sherloc (09022015). Collection method: clinical testing. Allele origin: germline.
Comment: This sequence change replaces alanine, which is neutral and non-polar, with valine, which is neutral and non-polar, at codon 185 of the FKRP protein (p.Ala185Val). This variant is present in population databases (no rsID available, gnomAD 0.006%). This variant has not been reported in the literature in individuals affected with FKRP-related conditions. ClinVar contains an entry for this variant (Variation ID: 528812). Algorithms developed to predict the effect of missense changes on protein structure and function (SIFT, PolyPhen-2, Align-GVGD) all suggest that this variant is likely to be tolerated. In summary, the available evidence is currently insufficient to determine the role of this variant in disease. Therefore, it has been classified as a Variant of Uncertain Significance.

Natera, Inc.
Classification: Uncertain significance for Limb-girdle muscular dystrophy type 2I. Last evaluated: 2021-10-01. Review status: no assertion criteria provided. Collection method: clinical testing. Allele origin: germline. Not counted in ClinVar's aggregate classification.

NM_024301.5(FKRP):c.554C>T (p.Ala185Val)

Gene: FKRP (fukutin related protein; plus strand). Cytogenetic location: 19q13.32.
Variant type: single nucleotide variant.
Coding change: c.554C>T on transcript NM_024301.5 (MANE Select); coding-DNA position 554, C replaced by T.
Protein change: p.Ala185Val; replaces alanine 185 with valine.
Molecular consequence: missense variant.
Genome position (GRCh38, 1-based): chr19:46,756,004, C>T. VCF-style: chr19-46756004-C-T. GRCh37 (hg19) VCF-style: chr19-47259261-C-T.
Other names: c.554C>T, p.Ala185Val (NM_001039885.3); short protein forms A185V.
Identifiers: ClinVar variation 528812 (VCV000528812.9), dbSNP rs1032563159, ClinGen allele CA309099350.